The following is an entry in ClinVar:

NM_130384.3(ATRIP):c.2115G>A (p.Gly705=)

Genes: ATRIP (ATR interacting protein; plus strand), ATRIP-TREX1 (ATRIP-TREX1 readthrough; plus strand). Cytogenetic location: 3p21.31.
Variant type: single nucleotide variant.
Coding change: c.2115G>A on transcript NM_130384.3 (MANE Select); coding-DNA position 2115, G replaced by A.
Protein change: p.Gly705=; no amino-acid change (glycine 705 retained).
Molecular consequence: synonymous variant. On other transcripts: non-coding transcript variant (1).
Genome position (GRCh38, 1-based): chr3:48,464,890, G>A. VCF-style: chr3-48464890-G-A. GRCh37 (hg19) VCF-style: chr3-48506289-G-A.
Other names: c.1734G>A, p.Gly578= (NM_001271022.2); c.1836G>A, p.Gly612= (NM_001271023.2); c.2034G>A, p.Gly678= (NM_032166.4).
Identifiers: ClinVar variation 3811212 (VCV003811212.1).

ClinVar aggregate classification (germline): Uncertain significance (1 of 4 stars; one submission).

gnomAD v4.1: 3 of 1,613,990 alleles (0.00019%); highest among the groups gnomAD compares: South Asian, 0.0033%; no homozygotes.

Submission:

Ambry Genetics
Classification: Uncertain significance. Last evaluated: 2025-03-13. Review status: criteria provided, single submitter. Criteria: Ambry Variant Classification Scheme 2023. Collection method: clinical testing. Allele origin: germline.
Comment: The c.2115G>A variant (also known as p.G705G), located in coding exon 12 of the ATRIP gene, results from a G to A substitution at nucleotide position 2115. This nucleotide substitution does not change the at codon 705. This nucleotide position is not well conserved in available vertebrate species. In silico splice site analysis for this alteration is inconclusive. The evidence for this gene-disease relationship is limited; therefore, the clinical significance of this alteration is unclear.